The following is an entry in ClinVar:

NM_000548.5(TSC2):c.1245G>A (p.Ala415=)

Gene: TSC2 (TSC complex subunit 2; plus strand). Cytogenetic location: 16p13.3.
Variant type: single nucleotide variant.
Coding change: c.1245G>A on transcript NM_000548.5 (MANE Select); coding-DNA position 1245, G replaced by A.
Protein change: p.Ala415=; no amino-acid change (alanine 415 retained).
Molecular consequence: synonymous variant.
Genome position (GRCh38, 1-based): chr16:2,061,996, G>A. VCF-style: chr16-2061996-G-A. GRCh37 (hg19) VCF-style: chr16-2111997-G-A.
Other names: c.1245G>A, p.Ala415= (NM_001077183.3, NM_001114382.3, NM_001363528.2 and 3 more transcripts); c.1134G>A, p.Ala378= (NM_001318827.2); c.1098G>A, p.Ala366= (NM_001318829.2); c.645G>A, p.Ala215= (NM_001318831.2); c.1278G>A, p.Ala426= (NM_001318832.2); c.1245G>A (NM_000548.4).
Identifiers: ClinVar variation 184607 (VCV000184607.22), dbSNP rs757325185, ClinGen allele CA014150.

ClinVar aggregate classification (germline): Benign/Likely benign. Review status: criteria provided, multiple submitters, no conflicts (2 of 4 stars). 9 submissions from 9 submitters: Benign (3); Likely benign (6). Last evaluated 2026-01-29.

Conditions:
Isolated focal cortical dysplasia type II (FCORD2). Also called: Focal cortical dysplasia type II; CORTICAL DYSPLASIA OF TAYLOR. Identifiers: Orphanet 268994, MedGen C1846385, MONDO:0011818, OMIM 607341, HP:0032051.
Lymphangiomyomatosis (LAM). Also called: Lymphangioleiomyomatosis; Lymphangioleiomyomatosis, somatic. Identifiers: Orphanet 538, MedGen C0751674, MONDO:0011705, OMIM 606690.
Tuberous sclerosis 2 (TSC2). Identifiers: Orphanet 805, MedGen C1860707, MONDO:0013199, OMIM 613254.
TSC2-related disorder. Also called: TSC2-related condition; TSC2-Related Disorders.
Hereditary cancer-predisposing syndrome. Also called: Neoplastic Syndromes, Hereditary; Tumor predisposition; Hereditary neoplastic syndrome; Hereditary Cancer Syndrome. Identifiers: Orphanet 140162, MedGen C0027672, MeSH D009386, MONDO:0015356.
Tuberous sclerosis syndrome (TSC). Also called: Tuberous Sclerosis Complex; Tuberous sclerosis. Identifiers: Orphanet 805, MedGen C0041341, MONDO:0001734.

Allele frequency attached by ClinVar (database versions not stated): ExAC 0.00001; gnomAD 0.00003 and 0.00004; gnomAD exomes 0.00003; TOPMed 0.00003.
gnomAD v4.1: 39 of 1,614,024 alleles (0.0024%); highest among the groups gnomAD compares: Admixed American, 0.0067%; no homozygotes.

Submissions (9):

Labcorp Genetics (formerly Invitae), Labcorp
Classification: Benign for Tuberous sclerosis 2. Last evaluated: 2026-01-29. Review status: criteria provided, single submitter. Criteria: Invitae Variant Classification Sherloc (09022015). Collection method: clinical testing. Allele origin: germline.

Myriad Genetics, Inc.
Classification: Benign for Tuberous sclerosis 2. Last evaluated: 2025-05-13. Review status: criteria provided, single submitter. Criteria: Myriad Autosomal Dominant, Autosomal Recessive and X-Linked Classification Criteria (2023). Collection method: clinical testing. Allele origin: unknown.
Comment: This variant is considered benign. This variant is a silent/synonymous amino acid change and it is not expected to impact splicing.

PreventionGenetics, part of Exact Sciences
Classification: Likely benign for TSC2-related condition. Last evaluated: 2024-12-04. Review status: criteria provided, single submitter. Criteria: ACMG Guidelines, 2015. Collection method: clinical testing. Allele origin: germline.
Comment: This variant is classified as likely benign based on ACMG/AMP sequence variant interpretation guidelines (Richards et al. 2015 PMID: 25741868, with internal and published modifications).

All of Us Research Program, National Institutes of Health
Classification: Likely benign for Tuberous sclerosis syndrome. Last evaluated: 2023-12-13. Review status: criteria provided, single submitter. Criteria: ACMG Guidelines, 2015. Collection method: clinical testing. Allele origin: germline. Inheritance: Autosomal dominant inheritance. Observed: 4 variant alleles, 4 heterozygotes.
Comment: This study involves interpretation of variants in research participants for the purpose of population health screening. Participant phenotype was not available at the time of variant classification. Additional details can be found in publication PMID: 35346344, PMCID: PMC8962531

Color Diagnostics, LLC DBA Color Health
Classification: Likely benign for Tuberous sclerosis syndrome. Last evaluated: 2022-09-20. Review status: criteria provided, single submitter. Criteria: ACMG Guidelines, 2015. Collection method: clinical testing. Allele origin: germline.

Genome-Nilou Lab
Classification: Benign for Tuberous sclerosis 2. Last evaluated: 2021-11-07. Review status: criteria provided, single submitter. Criteria: ACMG Guidelines, 2015. Collection method: clinical testing. Allele origin: germline. Affected: no.

Fulgent Genetics
Classification: Likely benign for Lymphangiomyomatosis; Isolated focal cortical dysplasia type II; Tuberous sclerosis 2. Last evaluated: 2021-08-27. Review status: criteria provided, single submitter. Criteria: ACMG Guidelines, 2015. Collection method: clinical testing. Allele origin: unknown.

GeneDx
Classification: Likely benign. Last evaluated: 2018-02-14. Review status: criteria provided, single submitter. Criteria: GeneDx Variant Classification (06012015). Collection method: clinical testing. Allele origin: germline. Affected: yes.
Comment: This variant is considered likely benign or benign based on one or more of the following criteria: it is a conservative change, it occurs at a poorly conserved position in the protein, it is predicted to be benign by multiple in silico algorithms, and/or has population frequency not consistent with disease.

Ambry Genetics
Classification: Likely benign for Hereditary cancer-predisposing syndrome. Last evaluated: 2017-05-16. Review status: criteria provided, single submitter. Criteria: Ambry Variant Classification Scheme 2023. Collection method: clinical testing. Allele origin: germline.